The following is an entry in ClinVar:

NM_198578.4(LRRK2):c.6620T>A (p.Leu2207His)

Gene: LRRK2 (leucine rich repeat kinase 2; plus strand). Cytogenetic location: 12q12.
Variant type: single nucleotide variant.
Coding change: c.6620T>A on transcript NM_198578.4 (MANE Select); coding-DNA position 6620, T replaced by A.
Protein change: p.Leu2207His; replaces leucine 2207 with histidine.
Molecular consequence: missense variant.
Genome position (GRCh38, 1-based): chr12:40,354,342, T>A. VCF-style: chr12-40354342-T-A. GRCh37 (hg19) VCF-style: chr12-40748144-T-A.
Other names: short protein forms L2207H.
Identifiers: ClinVar variation 2453052 (VCV002453052.2), dbSNP rs1946462663, ClinGen allele CA384408892.

ClinVar aggregate classification (germline): Uncertain significance (1 of 4 stars; one submission).

Conditions:
Inborn genetic diseases. Identifiers: MedGen C0950123, MeSH D030342.

Submission:

Ambry Genetics
Classification: Uncertain significance for Inborn genetic diseases. Last evaluated: 2022-12-16. Review status: criteria provided, single submitter. Criteria: Ambry Variant Classification Scheme 2023. Collection method: clinical testing. Allele origin: germline.
Comment: The p.L2207H variant (also known as c.6620T>A), located in coding exon 45 of the LRRK2 gene, results from a T to A substitution at nucleotide position 6620. The leucine at codon 2207 is replaced by histidine, an amino acid with similar properties. This amino acid position is conserved. In addition, the in silico prediction for this alteration is inconclusive. Since supporting evidence is limited at this time, the clinical significance of this alteration remains unclear.